The following is an entry in ClinVar:

ClinVar aggregate classification (germline): Uncertain significance (1 of 4 stars; one submission).

gnomAD v4.1: 2 of 1,614,164 alleles (0.00012%); highest among the groups gnomAD compares: Admixed American, 0.0033%; no homozygotes.

Submission:

Labcorp Genetics (formerly Invitae), Labcorp
Classification: Uncertain significance. Last evaluated: 2024-06-04. Review status: criteria provided, single submitter. Criteria: Invitae Variant Classification Sherloc (09022015). Collection method: clinical testing. Allele origin: germline.
Comment: This sequence change replaces aspartic acid, which is acidic and polar, with glycine, which is neutral and non-polar, at codon 49 of the CSF2RB protein (p.Asp49Gly). This variant is not present in population databases (gnomAD no frequency). This variant has not been reported in the literature in individuals affected with CSF2RB-related conditions. Advanced modeling of protein sequence and biophysical properties (such as structural, functional, and spatial information, amino acid conservation, physicochemical variation, residue mobility, and thermodynamic stability) performed at Invitae indicates that this missense variant is expected to disrupt CSF2RB protein function with a positive predictive value of 80%. In summary, the available evidence is currently insufficient to determine the role of this variant in disease. Therefore, it has been classified as a Variant of Uncertain Significance.

NM_000395.3(CSF2RB):c.146A>G (p.Asp49Gly)

Gene: CSF2RB (colony stimulating factor 2 receptor subunit beta; plus strand). Cytogenetic location: 22q12.3.
Variant type: single nucleotide variant.
Coding change: c.146A>G on transcript NM_000395.3 (MANE Select); coding-DNA position 146, A replaced by G.
Protein change: p.Asp49Gly; replaces aspartic acid 49 with glycine.
Molecular consequence: missense variant.
Genome position (GRCh38, 1-based): chr22:36,923,313, A>G. VCF-style: chr22-36923313-A-G. GRCh37 (hg19) VCF-style: chr22-37319355-A-G.
Other names: c.146A>G, p.Asp49Gly (NM_001410827.1); short protein forms D49G.
Identifiers: ClinVar variation 3623253 (VCV003623253.2).